The following is an entry in ClinVar:

NM_000169.3(GLA):c.805G>T (p.Val269Leu)

Genes: GLA (galactosidase alpha; minus strand), RPL36A-HNRNPH2 (RPL36A-HNRNPH2 readthrough; plus strand). Cytogenetic location: Xq22.1.
Variant type: single nucleotide variant.
Coding change: c.805G>T on transcript NM_000169.3 (MANE Select); coding-DNA position 805, G replaced by T.
Protein change: p.Val269Leu; replaces valine 269 with leucine.
Molecular consequence: missense variant. On other transcripts: non-coding transcript variant (3), intron variant (2).
Genome position (GRCh38, 1-based): chrX:101,398,564, C>A on the plus strand (G>T on the coding strand, the complement: GLA is on the minus strand). VCF-style: chrX-101398564-C-A. GRCh37 (hg19) VCF-style: chrX-100653552-C-A.
Other names: c.928G>T, p.Val310Leu (NM_001406747.1); c.805G>T, p.Val269Leu (NM_001406748.1); c.300+3107C>A (NM_001199973.2); c.177+6742C>A (NM_001199974.2); short protein forms V269L, V310L.
Identifiers: ClinVar variation 3645614 (VCV003645614.2).

ClinVar aggregate classification (germline): Uncertain significance (1 of 4 stars; one submission).

Conditions:
Fabry disease. Also called: Fabry's disease; ALPHA-GALACTOSIDASE A DEFICIENCY; ANDERSON-FABRY DISEASE; CERAMIDE TRIHEXOSIDASE DEFICIENCY; GLA DEFICIENCY; HEREDITARY DYSTOPIC LIPIDOSIS. Identifiers: Orphanet 324, MedGen C0002986, MONDO:0010526, OMIM 301500, HP:0001071. Disease mechanism: Fabry disease is due to inactivating mutations in the X-linked GLA gene resulting in deficiency of the enzyme Alpha Galactosidase-A., loss of function.

Submission:

Labcorp Genetics (formerly Invitae), Labcorp
Classification: Uncertain significance for Fabry disease. Last evaluated: 2025-06-27. Review status: criteria provided, single submitter. Criteria: Invitae Variant Classification Sherloc (09022015). Collection method: clinical testing. Allele origin: germline.
Comment: This sequence change replaces valine, which is neutral and non-polar, with leucine, which is neutral and non-polar, at codon 269 of the GLA protein (p.Val269Leu). This variant is not present in population databases (gnomAD no frequency). This variant has not been reported in the literature in individuals affected with GLA-related conditions. ClinVar contains an entry for this variant (Variation ID: 3645614). Invitae Evidence Modeling of protein sequence and biophysical properties (such as structural, functional, and spatial information, amino acid conservation, physicochemical variation, residue mobility, and thermodynamic stability) indicates that this missense variant is not expected to disrupt GLA protein function with a negative predictive value of 80%. This variant disrupts the p.Val269 amino acid residue in GLA. Other variant(s) that disrupt this residue have been determined to be pathogenic (PMID: 8395937, 16595074, 22004918, 23935525, 24334114, 26297554). This suggests that this residue is clinically significant, and that variants that disrupt this residue are likely to be disease-causing. In summary, the available evidence is currently insufficient to determine the role of this variant in disease. Therefore, it has been classified as a Variant of Uncertain Significance.

Literature cited by the submitters: PubMed 8395937; PubMed 16595074; PubMed 22004918; PubMed 23935525; PubMed 24334114; PubMed 26297554.